The following is an entry in ClinVar:

ClinVar aggregate classification (germline): Uncertain significance (1 of 4 stars; one submission).

Conditions:
Cardiovascular phenotype. Identifiers: MedGen CN230736.

Allele frequency attached by ClinVar (database versions not stated): gnomAD 0.00001; TOPMed 0.00002; ExAC 0.00006.
gnomAD v4.1: 28 of 1,548,588 alleles (0.0018%); highest among the groups gnomAD compares: East Asian, 0.012%; no homozygotes.

Submission:

Ambry Genetics
Classification: Uncertain significance for Cardiovascular phenotype. Last evaluated: 2022-08-01. Review status: criteria provided, single submitter. Criteria: Ambry Variant Classification Scheme 2023. Collection method: clinical testing. Allele origin: germline.
Comment: The p.R1601H variant (also known as c.4802G>A), located in coding exon 2 of the ZNF469 gene, results from a G to A substitution at nucleotide position 4802. The arginine at codon 1601 is replaced by histidine, an amino acid with highly similar properties. This amino acid position is conserved. In addition, this alteration is predicted to be tolerated by in silico analysis. Since supporting evidence is limited at this time, the clinical significance of this alteration remains unclear.

NM_001367624.2(ZNF469):c.4886G>A (p.Arg1629His)

Gene: ZNF469 (zinc finger protein 469; plus strand). Cytogenetic location: 16q24.2.
Variant type: single nucleotide variant.
Coding change: c.4886G>A on transcript NM_001367624.2 (MANE Select); coding-DNA position 4886, G replaced by A.
Protein change: p.Arg1629His; replaces arginine 1629 with histidine.
Molecular consequence: missense variant.
Genome position (GRCh38, 1-based): chr16:88,432,356, G>A. VCF-style: chr16-88432356-G-A. GRCh37 (hg19) VCF-style: chr16-88498764-G-A.
Other names: NM_001127464.1:c.4802G>A; short protein forms R1629H.
Identifiers: ClinVar variation 1743209 (VCV001743209.2), dbSNP rs780466908, ClinGen allele CA8225020.